The following is an entry in ClinVar:

ClinVar aggregate classification (germline): Uncertain significance (1 of 4 stars; one submission).

Conditions:
Catecholaminergic polymorphic ventricular tachycardia 1. Also called: VENTRICULAR TACHYCARDIA, CATECHOLAMINERGIC POLYMORPHIC, 1, WITH OR WITHOUT ATRIAL DYSFUNCTION AND/OR DILATED CARDIOMYOPATHY; VENTRICULAR TACHYCARDIA, STRESS-INDUCED POLYMORPHIC 1; RYR2-Related Catecholaminergic Polymorphic Ventricular Tachycardia. Identifiers: Orphanet 3286, MedGen C1631597, MONDO:0011484, OMIM 604772.

Allele frequency attached by ClinVar (database versions not stated): gnomAD exomes below 0.00001; TOPMed 0.00002.
gnomAD v4.1: 1 of 1,610,264 alleles (0.000062%); highest among the groups gnomAD compares: Non-Finnish European, 0.000085%; no homozygotes.

Submission:

Labcorp Genetics (formerly Invitae), Labcorp
Classification: Uncertain significance for Catecholaminergic polymorphic ventricular tachycardia 1. Last evaluated: 2016-03-06. Review status: criteria provided, single submitter. Criteria: Invitae Variant Classification Sherloc (09022015). Collection method: clinical testing. Allele origin: germline.
Comment: In summary, this variant is a novel missense change that is not predicted to affect protein function. There is no indication that it causes disease, but the available evidence is currently insufficient to prove that conclusively. Therefore, it has been classified as a Variant of Uncertain Significance. Algorithms developed to predict the effect of missense changes on protein structure and function (SIFT, PolyPhen-2, Align-GVGD) all suggest that this variant is likely to be tolerated, but these predictions have not been confirmed by published functional studies. This variant is not present in population databases (ExAC no frequency) and has not been reported in the literature in individuals with a TRDN-related disease. This sequence change replaces alanine with aspartic acid at codon 666 of the TRDN protein (p.Ala666Asp). The alanine residue is weakly conserved and there is a moderate physicochemical difference between alanine and aspartic acid.

NM_006073.4(TRDN):c.1997C>A (p.Ala666Asp)

Gene: TRDN (triadin; minus strand). Cytogenetic location: 6q22.31.
Variant type: single nucleotide variant.
Coding change: c.1997C>A on transcript NM_006073.4 (MANE Select); coding-DNA position 1997, C replaced by A.
Protein change: p.Ala666Asp; replaces alanine 666 with aspartic acid.
Molecular consequence: missense variant.
Genome position (GRCh38, 1-based): chr6:123,224,110, G>T on the plus strand (C>A on the coding strand, the complement: TRDN is on the minus strand). VCF-style: chr6-123224110-G-T. GRCh37 (hg19) VCF-style: chr6-123545255-G-T.
Other names: short protein forms A666D.
Identifiers: ClinVar variation 240285 (VCV000240285.8), dbSNP rs878854816, ClinGen allele CA10582443.